The following is an entry in ClinVar:

NM_000428.3(LTBP2):c.1484G>A (p.Arg495Gln)

Gene: LTBP2 (latent transforming growth factor beta binding protein 2; minus strand). Cytogenetic location: 14q24.3.
Variant type: single nucleotide variant.
Coding change: c.1484G>A on transcript NM_000428.3 (MANE Select); coding-DNA position 1484, G replaced by A.
Protein change: p.Arg495Gln; replaces arginine 495 with glutamine.
Molecular consequence: missense variant.
Genome position (GRCh38, 1-based): chr14:74,551,266, C>T on the plus strand (G>A on the coding strand, the complement: LTBP2 is on the minus strand). VCF-style: chr14-74551266-C-T. GRCh37 (hg19) VCF-style: chr14-75017969-C-T.
Other names: short protein forms R495Q.
Identifiers: ClinVar variation 126950 (VCV000126950.2), dbSNP rs137854858, ClinGen allele CA151337.

ClinVar aggregate classification (germline): Likely pathogenic (0 of 4 stars; one submission).

Conditions:
Primary open angle glaucoma (POAG). Also called: OPTN-related open angle glaucoma. Identifiers: MedGen C0339573, MONDO:0100553, OMIM 137760.

Allele frequency attached by ClinVar (database versions not stated): TOPMed 0.00001; ExAC 0.00003.

Submission:

Elahi Laboratory, University of Tehran
Classification: Likely pathogenic for Primary open angle glaucoma. Review status: no assertion criteria provided. Collection method: not provided. Allele origin: unknown.
ClinVar note: Converted during submission from probable-pathogenic to Likely pathogenic.